The following is an entry in ClinVar:

NM_003128.3(SPTBN1):c.3011A>G (p.Asp1004Gly)

Gene: SPTBN1 (spectrin beta, non-erythrocytic 1; plus strand). Cytogenetic location: 2p16.2.
Variant type: single nucleotide variant.
Coding change: c.3011A>G on transcript NM_003128.3 (MANE Select); coding-DNA position 3011, A replaced by G.
Protein change: p.Asp1004Gly; replaces aspartic acid 1004 with glycine.
Molecular consequence: missense variant.
Genome position (GRCh38, 1-based): chr2:54,631,058, A>G. VCF-style: chr2-54631058-A-G. GRCh37 (hg19) VCF-style: chr2-54858195-A-G.
Other names: c.2972A>G, p.Asp991Gly (NM_178313.3); short protein forms D1004G, D991G.
Identifiers: ClinVar variation 2627595 (VCV002627595.2), dbSNP rs1164321301, ClinGen allele CA346888502.
Genomic context (GRCh38, chr2:54,631,058, plus strand): 5'-TGGGCAATGACCTGGCTGGCGTCATGGCCCTGCAGCGCAAGCTGACCGGCATGGAGCGGG[A>G]CTTGGTGGCCATTGAGGCAAAGCTGAGTGACCTGCAGAAGGAGGCGGAGAAGCTGGAGTC-3'
Protein context (NP_003119.2, residues 994-1014): LQRKLTGMER[Asp1004Gly]LVAIEAKLSD

ClinVar aggregate classification (germline): Uncertain significance (1 of 4 stars; one submission).

Conditions:
Developmental delay, impaired speech, and behavioral abnormalities. Identifiers: MedGen C5561957, MONDO:0859178, OMIM 619475.

Submission:

Institute of Human Genetics, University of Leipzig Medical Center
Classification: Uncertain significance for Developmental delay, impaired speech, and behavioral abnormalities. Last evaluated: 2023-09-20. Review status: criteria provided, single submitter. Criteria: ACMG Guidelines, 2015. Collection method: clinical testing. Allele origin: unknown. Inheritance: Autosomal dominant inheritance. Affected: yes.
Comment: Criteria applied: PM2_SUP,PP2,PP3